The following is an entry in ClinVar:

ClinVar aggregate classification (germline): Uncertain significance. Review status: criteria provided, multiple submitters, no conflicts (2 of 4 stars). 2 submissions from 2 submitters: Uncertain significance (2). Last evaluated 2024-02-24.

Allele frequency attached by ClinVar (database versions not stated): ExAC 0.00001; gnomAD exomes 0.00001; gnomAD 0.00002; TOPMed 0.00002.
gnomAD v4.1: 25 of 1,614,094 alleles (0.0015%); highest among the groups gnomAD compares: Middle Eastern, 0.033%; no homozygotes.

Submissions (2):

Labcorp Genetics (formerly Invitae), Labcorp
Classification: Uncertain significance. Last evaluated: 2024-02-24. Review status: criteria provided, single submitter. Criteria: Invitae Variant Classification Sherloc (09022015). Collection method: clinical testing. Allele origin: germline.
Comment: This sequence change replaces serine, which is neutral and polar, with leucine, which is neutral and non-polar, at codon 2754 of the TRRAP protein (p.Ser2754Leu). This variant is present in population databases (rs770812441, gnomAD 0.005%). This variant has not been reported in the literature in individuals affected with TRRAP-related conditions. ClinVar contains an entry for this variant (Variation ID: 2072911). Advanced modeling of protein sequence and biophysical properties (such as structural, functional, and spatial information, amino acid conservation, physicochemical variation, residue mobility, and thermodynamic stability) performed at Invitae indicates that this missense variant is not expected to disrupt TRRAP protein function with a negative predictive value of 80%. In summary, the available evidence is currently insufficient to determine the role of this variant in disease. Therefore, it has been classified as a Variant of Uncertain Significance.

Blueprint Genetics
Classification: Uncertain significance. Last evaluated: 2021-12-23. Review status: criteria provided, single submitter. Criteria: ACMG Guidelines, 2015. Collection method: clinical testing. Allele origin: germline.

NM_001375524.1(TRRAP):c.8336C>T (p.Ser2779Leu)

Gene: TRRAP (transformation/transcription domain associated protein; plus strand). Cytogenetic location: 7q22.1.
Variant type: single nucleotide variant.
Coding change: c.8336C>T on transcript NM_001375524.1 (MANE Select); coding-DNA position 8336, C replaced by T.
Protein change: p.Ser2779Leu; replaces serine 2779 with leucine.
Molecular consequence: missense variant.
Genome position (GRCh38, 1-based): chr7:98,977,027, C>T. VCF-style: chr7-98977027-C-T. GRCh37 (hg19) VCF-style: chr7-98574650-C-T.
Other names: c.8315C>T, p.Ser2772Leu (NM_001244580.2); c.8261C>T, p.Ser2754Leu (NM_003496.4); short protein forms S2779L, S2772L, S2754L.
Identifiers: ClinVar variation 2072911 (VCV002072911.5), dbSNP rs770812441, ClinGen allele CA4361405.